The following is an entry in ClinVar:

NM_022081.6(HPS4):c.1024C>T (p.His342Tyr)

Gene: HPS4 (HPS4 biogenesis of lysosomal organelles complex 3 subunit 2; minus strand). Cytogenetic location: 22q12.1.
Variant type: single nucleotide variant.
Coding change: c.1024C>T on transcript NM_022081.6 (MANE Select); coding-DNA position 1024, C replaced by T.
Protein change: p.His342Tyr; replaces histidine 342 with tyrosine.
Molecular consequence: missense variant. On other transcripts: non-coding transcript variant (8).
Genome position (GRCh38, 1-based): chr22:26,464,606, G>A on the plus strand (C>T on the coding strand, the complement: HPS4 is on the minus strand). VCF-style: chr22-26464606-G-A. GRCh37 (hg19) VCF-style: chr22-26860572-G-A.
Other names: c.1024C>T, p.His342Tyr (NM_001349896.1, NM_001349898.2, NM_001349899.2 and 5 more transcripts); c.1078C>T, p.His360Tyr (NM_001349900.2, NM_001349901.1); c.1009C>T, p.His337Tyr (NM_152841.2); short protein forms H360Y, H337Y, H342Y.
Identifiers: ClinVar variation 1974129 (VCV001974129.2), dbSNP rs2518219933, ClinGen allele CA411028282.

ClinVar aggregate classification (germline): Uncertain significance (1 of 4 stars; one submission).

Submission:

Labcorp Genetics (formerly Invitae), Labcorp
Classification: Uncertain significance. Last evaluated: 2022-05-29. Review status: criteria provided, single submitter. Criteria: Invitae Variant Classification Sherloc (09022015). Collection method: clinical testing. Allele origin: germline.
Comment: This sequence change replaces histidine, which is basic and polar, with tyrosine, which is neutral and polar, at codon 342 of the HPS4 protein (p.His342Tyr). This variant is not present in population databases (gnomAD no frequency). This variant has not been reported in the literature in individuals affected with HPS4-related conditions. Algorithms developed to predict the effect of missense changes on protein structure and function output the following: SIFT: "Tolerated"; PolyPhen-2: "Benign"; Align-GVGD: "Class C0". The tyrosine amino acid residue is found in multiple mammalian species, which suggests that this missense change does not adversely affect protein function. In summary, the available evidence is currently insufficient to determine the role of this variant in disease. Therefore, it has been classified as a Variant of Uncertain Significance.